The following is an entry in ClinVar:

NM_001197104.2(KMT2A):c.923C>T (p.Ser308Leu)

Gene: KMT2A (lysine methyltransferase 2A; plus strand). Cytogenetic location: 11q23.3.
Variant type: single nucleotide variant.
Coding change: c.923C>T on transcript NM_001197104.2 (MANE Select); coding-DNA position 923, C replaced by T.
Protein change: p.Ser308Leu; replaces serine 308 with leucine.
Molecular consequence: missense variant.
Genome position (GRCh38, 1-based): chr11:118,472,082, C>T. VCF-style: chr11-118472082-C-T. GRCh37 (hg19) VCF-style: chr11-118342797-C-T.
Other names: c.923C>T, p.Ser308Leu (NM_005933.4); short protein forms S308L.
Identifiers: ClinVar variation 1466301 (VCV001466301.8), dbSNP rs1320199384, ClinGen allele CA382808467.

ClinVar aggregate classification (germline): Uncertain significance (1 of 4 stars; one submission).

Allele frequency attached by ClinVar (database versions not stated): TOPMed below 0.00001.

Submission:

Labcorp Genetics (formerly Invitae), Labcorp
Classification: Uncertain significance. Last evaluated: 2022-02-05. Review status: criteria provided, single submitter. Criteria: Invitae Variant Classification Sherloc (09022015). Collection method: clinical testing. Allele origin: germline.
Comment: In summary, the available evidence is currently insufficient to determine the role of this variant in disease. Therefore, it has been classified as a Variant of Uncertain Significance. Advanced modeling of protein sequence and biophysical properties (such as structural, functional, and spatial information, amino acid conservation, physicochemical variation, residue mobility, and thermodynamic stability) performed at Invitae indicates that this missense variant is expected to disrupt KMT2A protein function. This variant has not been reported in the literature in individuals affected with KMT2A-related conditions. This variant is not present in population databases (gnomAD no frequency). This sequence change replaces serine, which is neutral and polar, with leucine, which is neutral and non-polar, at codon 308 of the KMT2A protein (p.Ser308Leu).